The following is an entry in ClinVar:

NM_006031.6(PCNT):c.5480del (p.Ala1827fs)

Gene: PCNT (pericentrin; plus strand). Cytogenetic location: 21q22.3.
Variant type: Deletion.
Coding change: c.5480del on transcript NM_006031.6 (MANE Select); coding-DNA position 5480, one base deleted (C; older notation c.5480delC).
Protein change: p.Ala1827fs; shifts the reading frame from alanine 1827.
Molecular consequence: frameshift variant.
Genome position (GRCh38, 1-based): chr21:46,411,553, C deleted. VCF-style (leftmost placement, unchanged base first): chr21-46411552-GC-G. GRCh37 (hg19) VCF-style: chr21-47831466-GC-G.
Other names: c.5126del, p.Ala1709fs (NM_001315529.2); short protein forms A1709fs, A1827fs.
Identifiers: ClinVar variation 2852603 (VCV002852603.3), dbSNP rs2086784918, ClinGen allele CA1022930852.
Genomic context (GRCh38, chr21:46,411,552, plus strand): 5'-GCTGACCAGGAGCGCAGGCACAGCCAGGCCCTGGAGGCCCTGCAGCAGCGCCTCCAGGGC[GC>G]AGAGGAGGCTGCGGAGCTACAGCTGGCTGAGCTGGAGCGCAATGTAGCCCTCAGGGAGGC-3'

ClinVar aggregate classification (germline): Pathogenic (1 of 4 stars; one submission).

Allele frequency attached by ClinVar (database versions not stated): gnomAD 0.00001; TOPMed 0.00001.

Submission:

Labcorp Genetics (formerly Invitae), Labcorp
Classification: Pathogenic. Last evaluated: 2023-05-30. Review status: criteria provided, single submitter. Criteria: Invitae Variant Classification Sherloc (09022015). Collection method: clinical testing. Allele origin: germline.
Comment: This sequence change creates a premature translational stop signal (p.Ala1827Glufs*16) in the PCNT gene. It is expected to result in an absent or disrupted protein product. Loss-of-function variants in PCNT are known to be pathogenic (PMID: 18174396, 22821869). For these reasons, this variant has been classified as Pathogenic. This variant has not been reported in the literature in individuals affected with PCNT-related conditions. This variant is not present in population databases (gnomAD no frequency).

Literature cited by the submitters: PubMed 18174396; PubMed 22821869.